The following is an entry in ClinVar:

ClinVar aggregate classification (germline): Likely benign (1 of 4 stars; one submission).

Allele frequency attached by ClinVar (database versions not stated): 1000 Genomes Project 30x 0.00031; 1000 Genomes Project 0.00040; ESP Exome Variant Server 0.00054.

Submission:

CeGaT Center for Human Genetics Tuebingen
Classification: Likely benign. Last evaluated: 2023-08-01. Review status: criteria provided, single submitter. Criteria: CeGaT Center For Human Genetics Tuebingen Variant Classification Criteria Version 2. Collection method: clinical testing. Allele origin: germline. Affected: yes. Observed: 1 variant allele.
Comment: ZNF493: BP4

NM_001076678.3(ZNF493):c.632G>A (p.Arg211Gln)

Gene: ZNF493 (zinc finger protein 493; plus strand). Cytogenetic location: 19p12.
Variant type: single nucleotide variant.
Coding change: c.632G>A on transcript NM_001076678.3 (MANE Select); coding-DNA position 632, G replaced by A.
Protein change: p.Arg211Gln; replaces arginine 211 with glutamine.
Molecular consequence: missense variant.
Genome position (GRCh38, 1-based): chr19:21,423,291, G>A. VCF-style: chr19-21423291-G-A. GRCh37 (hg19) VCF-style: chr19-21606093-G-A.
Other names: c.248G>A, p.Arg83Gln (NM_175910.7); short protein forms R211Q, R83Q.
Identifiers: ClinVar variation 2649622 (VCV002649622.24), dbSNP rs145782852, ClinGen allele CA9339402.